The following is an entry in ClinVar:

ClinVar aggregate classification (germline): Uncertain significance. Review status: criteria provided, multiple submitters, no conflicts (2 of 4 stars). 2 submissions from 2 submitters: Uncertain significance (2). Last evaluated 2023-12-04.

Conditions:
Immunodeficiency 36 with lymphoproliferation. Also called: Activated PI3K Delta Syndrome Type 2 (APDS2); Immunodeficiency 36; ACTIVATED PI3K-DELTA SYNDROME 2. Identifiers: Orphanet 397596, Orphanet 693681, MedGen C4014934, MONDO:0014453, OMIM 616005.
SHORT syndrome. Also called: LIPODYSTROPHY, PARTIAL, WITH RIEGER ANOMALY AND SHORT STATURE; SHORT STATURE, HYPEREXTENSIBILITY, HERNIA, OCULAR DEPRESSION, RIEGER ANOMALY, AND TEETHING DELAY; PIK3R1-Related SHORT Syndrome. Identifiers: Orphanet 3163, MedGen C0878684, MONDO:0010026, OMIM 269880.
Agammaglobulinemia 7, autosomal recessive (AGM7). Also called: AGAMMAGLOBULINEMIA, AUTOSOMAL RECESSIVE, DUE TO PIK3R1 DEFECT. Identifiers: MedGen C3554689, MONDO:0014083, OMIM 615214.

Allele frequency attached by ClinVar (database versions not stated): gnomAD exomes below 0.00001; gnomAD 0.00001.
gnomAD v4.1: 6 of 1,613,826 alleles (0.00037%); highest among the groups gnomAD compares: South Asian, 0.0066%; no homozygotes.

Submissions (2):

Labcorp Genetics (formerly Invitae), Labcorp
Classification: Uncertain significance for SHORT syndrome; Immunodeficiency 36 with lymphoproliferation; Agammaglobulinemia 7, autosomal recessive. Last evaluated: 2023-12-04. Review status: criteria provided, single submitter. Criteria: Invitae Variant Classification Sherloc (09022015). Collection method: clinical testing. Allele origin: germline.
Comment: This sequence change replaces arginine, which is basic and polar, with lysine, which is basic and polar, at codon 543 of the PIK3R1 protein (p.Arg543Lys). This variant is present in population databases (no rsID available, gnomAD 0.003%). This variant has not been reported in the literature in individuals affected with PIK3R1-related conditions. Advanced modeling of protein sequence and biophysical properties (such as structural, functional, and spatial information, amino acid conservation, physicochemical variation, residue mobility, and thermodynamic stability) performed at Invitae indicates that this missense variant is not expected to disrupt PIK3R1 protein function with a negative predictive value of 80%. In summary, the available evidence is currently insufficient to determine the role of this variant in disease. Therefore, it has been classified as a Variant of Uncertain Significance.

Neuberg Centre For Genomic Medicine, NCGM
Classification: Uncertain significance for Immunodeficiency 36 with lymphoproliferation. Review status: criteria provided, single submitter. Criteria: ACMG Guidelines, 2015. Collection method: clinical testing. Allele origin: germline. Inheritance: Autosomal dominant inheritance. Affected: yes.
Comment: The missense variant c.1628G>A (p.Arg543Lys) in PIK3R1 gene has not been reported previously as a pathogenic variant nor as a benign variant, to our knowledge. The p.Arg543Lys variant is reported with the allele frequency (0.0003%) in the gnomAD Exomes and is novel (not in any individuals) in 1000 Genomes. The amino acid Arg at position 543 is changed to a Lys changing protein sequence and it might alter its composition and physico-chemical properties. In silico tools predict the variant to be tolerated. The residue is conserved across species. The amino acid change p.Arg543Lys is predicted as conserved by GERP++ and PhyloP across 100 vertebrates. For these reasons, this variant has been classified as Variant of Uncertain Significance (VUS).

NM_181523.3(PIK3R1):c.1628G>A (p.Arg543Lys)

Gene: PIK3R1 (phosphoinositide-3-kinase regulatory subunit 1; plus strand). Cytogenetic location: 5q13.1.
Variant type: single nucleotide variant.
Coding change: c.1628G>A on transcript NM_181523.3 (MANE Select); coding-DNA position 1628, G replaced by A.
Protein change: p.Arg543Lys; replaces arginine 543 with lysine.
Molecular consequence: missense variant.
Genome position (GRCh38, 1-based): chr5:68,295,207, G>A. VCF-style: chr5-68295207-G-A. GRCh37 (hg19) VCF-style: chr5-67591035-G-A.
Other names: c.539G>A, p.Arg180Lys (NM_001242466.2); c.818G>A, p.Arg273Lys (NM_181504.4); c.728G>A, p.Arg243Lys (NM_181524.2); short protein forms R543K, R180K, R243K, R273K.
Identifiers: ClinVar variation 2585209 (VCV002585209.4), dbSNP rs1367776221, ClinGen allele CA359882807.